The following is an entry in ClinVar:

NM_001267550.2(TTN):c.20355G>A (p.Ser6785=)

Gene: TTN (titin; minus strand). Cytogenetic location: 2q31.2.
Variant type: single nucleotide variant.
Coding change: c.20355G>A on transcript NM_001267550.2 (MANE Select); coding-DNA position 20355, G replaced by A.
Protein change: p.Ser6785=; no amino-acid change (serine 6785 retained).
Molecular consequence: synonymous variant. On other transcripts: intron variant (3).
Genome position (GRCh38, 1-based): chr2:178,725,967, C>T on the plus strand (G>A on the coding strand, the complement: TTN is on the minus strand). VCF-style: chr2-178725967-C-T. GRCh37 (hg19) VCF-style: chr2-179590694-C-T.
Other names: c.20355G>A (NM_001267550.1); c.19404G>A, p.Ser6468= (NM_001256850.1); c.16623G>A, p.Ser5541= (NM_133378.4); c.13282+12115G>A (NM_003319.4); c.13858+12115G>A (NM_133437.4); c.13657+12115G>A (NM_133432.3).
Identifiers: ClinVar variation 212462 (VCV000212462.20), dbSNP rs549470227, ClinGen allele CA207112.

ClinVar aggregate classification (germline): Conflicting classifications of pathogenicity. Review status: criteria provided, conflicting classifications (1 of 4 stars). 4 submissions from 4 submitters: Uncertain significance (2); Benign (1). 1 of the submissions does not count toward it. Last evaluated 2025-12-26.

Conditions:
TTN-related disorder. Also called: TTN-related condition; TTN-related disease; TTN-related disorders.
Dilated cardiomyopathy 1G (CMD1G). Identifiers: Orphanet 154, MedGen C1858763, MONDO:0011400, OMIM 604145.
Autosomal recessive limb-girdle muscular dystrophy type 2J (LGMDR10). Also called: Limb-girdle muscular dystrophy, type 2J; MUSCULAR DYSTROPHY, LIMB-GIRDLE, AUTOSOMAL RECESSIVE 10. Identifiers: Orphanet 140922, MedGen C1837342, MONDO:0012127, OMIM 608807.

Allele frequency attached by ClinVar (database versions not stated): gnomAD 0.00006 and 0.00007; TOPMed 0.00009; 1000 Genomes Project 0.00020; gnomAD exomes 0.00023; 1000 Genomes Project 30x 0.00031; ExAC 0.00036.
gnomAD v4.1: 107 of 1,611,124 alleles (0.0066%); highest among the groups gnomAD compares: Admixed American, 0.1%; no homozygotes.

Submissions (4):

Labcorp Genetics (formerly Invitae), Labcorp
Classification: Benign for Dilated cardiomyopathy 1G; Autosomal recessive limb-girdle muscular dystrophy type 2J. Last evaluated: 2025-12-26. Review status: criteria provided, single submitter. Criteria: Invitae Variant Classification Sherloc (09022015). Collection method: clinical testing. Allele origin: germline.

GeneDx
Classification: Uncertain significance. Last evaluated: 2025-07-23. Review status: criteria provided, single submitter. Criteria: GeneDx Variant Classification Process June 2021. Collection method: clinical testing. Allele origin: germline. Affected: yes.
Comment: Has not been previously published as pathogenic or benign to our knowledge; In silico analysis suggests this variant may impact gene splicing. In the absence of RNA/functional studies, the actual effect of this sequence change is unknown.

Genetic Services Laboratory, University of Chicago
Classification: Uncertain significance. Last evaluated: 2015-03-13. Review status: criteria provided, single submitter. Criteria: ACMG Guidelines, 2015. Collection method: clinical testing. Allele origin: germline.

PreventionGenetics, part of Exact Sciences
Classification: Likely benign for TTN-related condition. Last evaluated: 2022-04-26. Review status: no assertion criteria provided. Collection method: clinical testing. Allele origin: germline. Not counted in ClinVar's aggregate classification.
Comment: This variant is classified as likely benign based on ACMG/AMP sequence variant interpretation guidelines (Richards et al. 2015 PMID: 25741868, with internal and published modifications).